The following is an entry in ClinVar:

ClinVar aggregate classification (germline): Uncertain significance (1 of 4 stars; one submission).

gnomAD v4.1: 2 of 1,612,658 alleles (0.00012%); highest among the groups gnomAD compares: Non-Finnish European, 0.00017%; no homozygotes.

Submission:

GeneDx
Classification: Uncertain significance. Last evaluated: 2026-04-21. Review status: criteria provided, single submitter. Criteria: GeneDx Variant Classification Process June 2021. Collection method: clinical testing. Allele origin: germline.
Comment: Not observed at significant frequency in large population cohorts (gnomAD); In silico analysis suggests that this missense variant does not alter protein structure/function; Has not been previously published as pathogenic or benign to our knowledge

NM_001024383.2(NAV3):c.2993G>T (p.Gly998Val)

Gene: NAV3 (neuron navigator 3; plus strand). Cytogenetic location: 12q21.2.
Variant type: single nucleotide variant.
Coding change: c.2993G>T on transcript NM_001024383.2 (MANE Select); coding-DNA position 2993, G replaced by T.
Protein change: p.Gly998Val; replaces glycine 998 with valine.
Molecular consequence: missense variant.
Genome position (GRCh38, 1-based): chr12:78,118,250, G>T. VCF-style: chr12-78118250-G-T. GRCh37 (hg19) VCF-style: chr12-78512030-G-T.
Other names: c.1493G>T, p.Gly498Val (NM_001438019.1); c.2993G>T, p.Gly998Val (NM_014903.6); short protein forms G498V, G998V.
Identifiers: ClinVar variation 5037459 (VCV005037459.1).